The following is an entry in ClinVar:

NM_001079802.2(FKTN):c.1147C>T (p.Gln383Ter)

Gene: FKTN (fukutin; plus strand). Cytogenetic location: 9q31.2.
Variant type: single nucleotide variant.
Coding change: c.1147C>T on transcript NM_001079802.2 (MANE Select); coding-DNA position 1147, C replaced by T.
Protein change: p.Gln383Ter; replaces glutamine 383 with a stop codon.
Molecular consequence: nonsense. On other transcripts: non-coding transcript variant (2).
Genome position (GRCh38, 1-based): chr9:105,620,036, C>T. VCF-style: chr9-105620036-C-T. GRCh37 (hg19) VCF-style: chr9-108382317-C-T.
Other names: c.1147C>T, p.Gln383Ter (NM_001198963.2, NM_001351496.2, NM_001351498.2 and 1 more transcripts); c.1078C>T, p.Gln360Ter (NM_001351497.2); c.751C>T, p.Gln251Ter (NM_001351499.2, NM_001351500.2, NM_001351501.2 and 1 more transcripts); short protein forms Q251*, Q360*, Q383*.
Identifiers: ClinVar variation 4814583 (VCV004814583.1).

ClinVar aggregate classification (germline): Likely pathogenic (1 of 4 stars; one submission).

Conditions:
Walker-Warburg congenital muscular dystrophy. Also called: Muscular dystrophy-dystroglycanopathy, type A; Walker-Warburg syndrome. Identifiers: Orphanet 899, MedGen C0265221, MONDO:0000171.

Submission:

Natera, Inc.
Classification: Likely pathogenic for Walker-Warburg congenital muscular dystrophy. Last evaluated: 2024-04-24. Review status: criteria provided, single submitter. Criteria: Natera Variant Classification Schema (03/2026). Collection method: clinical testing. Allele origin: germline.
Comment: The c.1147C>T variant in FKTN is a nonsense variant predicted to introduce a stop codon at amino acid 383. This variant is expected to result in nonsense mediated decay, truncation, or a dysfunctional protein product. This variant is rare in the general population with a frequency below the threshold expected for the associated phenotype(s). Given the available evidence, this variant is classified as Likely Pathogenic.